The following is an entry in ClinVar:

ClinVar aggregate classification (germline): Pathogenic/Likely pathogenic. Review status: criteria provided, multiple submitters, no conflicts (2 of 4 stars). 4 submissions from 4 submitters: Pathogenic (1); Likely pathogenic (1). 2 of the submissions do not count toward it. Last evaluated 2024-09-01.

Conditions:
Very long chain acyl-CoA dehydrogenase deficiency (ACADVLD). Also called: VLCAD Deficiency; Very Long-Chain Acyl-Coenzyme A Dehydrogenase Deficiency. Identifiers: Orphanet 26793, MedGen C3887523, MONDO:0008723, OMIM 201475.

Allele frequency attached by ClinVar (database versions not stated): gnomAD exomes below 0.00001 and 0.00001.
gnomAD v4.1: 1 of 1,531,968 alleles (0.000065%); highest among the groups gnomAD compares: East Asian, 0.0024%; no homozygotes.

Submissions (4):

Department of Genetics of Metabolic Diseases, Institute of Medical & Molecular Genetics, Hospital Universitario Hospital La Paz
Classification: Pathogenic for Very long chain acyl-CoA dehydrogenase deficiency. Last evaluated: 2024-09-01. Review status: criteria provided, single submitter. Criteria: ACMG Guidelines, 2015. Collection method: clinical testing. Allele origin: germline. Inheritance: Autosomal recessive inheritance. Affected: yes.
Comment: The variant NM_000018.3:c.138+2T>C p.(?) in ACADVL is present at low frequency in gnomAD (0.0007752%) and it is predicted to alter canonical splicing. It has been reported in compound heterozyous state in a newborn with NBS C14:1 levels >1,0 μmol/L and Follow-up plasma acylcarnitine analysis consistent with VLCADD, in whom experimental studies in fibroblasts confirmed this variant reduces VLCAD´s activity (PMID: Hidalgo Mayoral I et al., in press).

Labcorp Genetics (formerly Invitae), Labcorp
Classification: Likely pathogenic for Very long chain acyl-CoA dehydrogenase deficiency. Last evaluated: 2023-08-28. Review status: criteria provided, single submitter. Criteria: Invitae Variant Classification Sherloc (09022015). Collection method: clinical testing. Allele origin: germline.
Comment: Algorithms developed to predict the effect of sequence changes on RNA splicing suggest that this variant may disrupt the consensus splice site. ClinVar contains an entry for this variant (Variation ID: 370856). Disruption of this splice site has been observed in individual(s) with very long-chain acyl-CoA dehydrogenase deficiency (PMID: 26385305, 35281663). This variant is present in population databases (no rsID available, gnomAD 0.01%). This sequence change affects a donor splice site in intron 2 of the ACADVL gene. It is expected to disrupt RNA splicing. Variants that disrupt the donor or acceptor splice site typically lead to a loss of protein function (PMID: 16199547), and loss-of-function variants in ACADVL are known to be pathogenic (PMID: 9973285, 11590124). In summary, the currently available evidence indicates that the variant is pathogenic, but additional data are needed to prove that conclusively. Therefore, this variant has been classified as Likely Pathogenic.

Natera, Inc.
Classification: Likely pathogenic for Very long chain acyl-CoA dehydrogenase deficiency. Last evaluated: 2020-12-27. Review status: no assertion criteria provided. Collection method: clinical testing. Allele origin: germline. Not counted in ClinVar's aggregate classification.

Counsyl
Classification: Likely pathogenic for Very long chain acyl-CoA dehydrogenase deficiency. Last evaluated: 2016-04-27. Review status: no assertion criteria provided. Collection method: clinical testing. Allele origin: unknown. Not counted in ClinVar's aggregate classification.

Literature cited by the submitters: PubMed 41022664 (cited by Department of Genetics of Metabolic Diseases, Institute of Medical & Molecular Genetics, Hospital Universitario Hospital La Paz); PubMed 26385305 (cited by Labcorp Genetics (formerly Invitae), Labcorp); PubMed 35281663 (cited by Labcorp Genetics (formerly Invitae), Labcorp); PubMed 16199547 (cited by Labcorp Genetics (formerly Invitae), Labcorp); PubMed 9973285 (cited by Labcorp Genetics (formerly Invitae), Labcorp); PubMed 11590124 (cited by Labcorp Genetics (formerly Invitae), Labcorp).

NM_000018.4(ACADVL):c.138+2T>C

Genes: ACADVL (acyl-CoA dehydrogenase very long chain; plus strand), LOC130060113 (ATAC-STARR-seq lymphoblastoid silent region 8088; plus strand). Cytogenetic location: 17p13.1.
Variant type: single nucleotide variant.
Coding change: c.138+2T>C on transcript NM_000018.4 (MANE Select); the canonical splice donor site of the intron after coding-DNA position 138, T replaced by C.
Molecular consequence: splice donor variant.
Genome position (GRCh38, 1-based): chr17:7,220,199, T>C. VCF-style: chr17-7220199-T-C. GRCh37 (hg19) VCF-style: chr17-7123518-T-C.
Other names: c.207+2T>C (NM_001270447.2); c.-91+2T>C (NM_001270448.2); c.138+2T>C (NM_001033859.3).
Identifiers: ClinVar variation 370856 (VCV000370856.16), dbSNP rs1057516817, ClinGen allele CA16041857.